The following is an entry in ClinVar:

ClinVar aggregate classification (germline): Uncertain significance (1 of 4 stars; one submission).

Allele frequency attached by ClinVar (database versions not stated): TOPMed below 0.00001; gnomAD 0.00003; gnomAD exomes 0.00008; ExAC 0.00012; 1000 Genomes Project 30x 0.00016; 1000 Genomes Project 0.00020.

Submission:

Labcorp Genetics (formerly Invitae), Labcorp
Classification: Uncertain significance. Last evaluated: 2022-04-21. Review status: criteria provided, single submitter. Criteria: Invitae Variant Classification Sherloc (09022015). Collection method: clinical testing. Allele origin: germline.
Comment: In summary, the available evidence is currently insufficient to determine the role of this variant in disease. Therefore, it has been classified as a Variant of Uncertain Significance. Algorithms developed to predict the effect of missense changes on protein structure and function (SIFT, PolyPhen-2, Align-GVGD) all suggest that this variant is likely to be tolerated. This variant has not been reported in the literature in individuals affected with SLC34A1-related conditions. This variant is present in population databases (rs545162521, gnomAD 0.07%). This sequence change replaces leucine, which is neutral and non-polar, with proline, which is neutral and non-polar, at codon 328 of the SLC34A1 protein (p.Leu328Pro).

NM_003052.5(SLC34A1):c.983T>C (p.Leu328Pro)

Gene: SLC34A1 (solute carrier family 34 member 1; plus strand). Cytogenetic location: 5q35.3.
Variant type: single nucleotide variant.
Coding change: c.983T>C on transcript NM_003052.5 (MANE Select); coding-DNA position 983, T replaced by C.
Protein change: p.Leu328Pro; replaces leucine 328 with proline.
Molecular consequence: missense variant.
Genome position (GRCh38, 1-based): chr5:177,393,740, T>C. VCF-style: chr5-177393740-T-C. GRCh37 (hg19) VCF-style: chr5-176820741-T-C.
Other names: short protein forms L328P.
Identifiers: ClinVar variation 2188996 (VCV002188996.3), dbSNP rs545162521, ClinGen allele CA3580591.